The following is an entry in ClinVar:

NM_000038.6(APC):c.4166C>T (p.Ser1389Phe)

Gene: APC (APC regulator of Wnt signaling pathway; plus strand). Cytogenetic location: 5q22.2.
Variant type: single nucleotide variant.
Coding change: c.4166C>T on transcript NM_000038.6 (MANE Select); coding-DNA position 4166, C replaced by T.
Protein change: p.Ser1389Phe; replaces serine 1389 with phenylalanine.
Molecular consequence: missense variant.
Genome position (GRCh38, 1-based): chr5:112,839,760, C>T. VCF-style: chr5-112839760-C-T. GRCh37 (hg19) VCF-style: chr5-112175457-C-T.
Other names: c.4166C>T, p.Ser1389Phe (NM_001127510.3, NM_001354895.2, NM_001407450.1); c.4112C>T, p.Ser1371Phe (NM_001127511.3); c.4220C>T, p.Ser1407Phe (NM_001354896.2, NM_001407447.1, NM_001407448.1 and 1 more transcripts); c.4196C>T, p.Ser1399Phe (NM_001354897.2); c.4091C>T, p.Ser1364Phe (NM_001354898.2); c.4082C>T, p.Ser1361Phe (NM_001354899.2); c.4043C>T, p.Ser1348Phe (NM_001354900.2); c.3989C>T, p.Ser1330Phe (NM_001354901.2, NM_001407453.1); and 12 more; short protein forms S1005F, S1106F, S1229F, S1260F, S1263F, S1288F, S1298F, S1306F.
Identifiers: ClinVar variation 1719469 (VCV001719469.7), dbSNP rs2149908026, ClinGen allele CA16030462.

ClinVar aggregate classification (germline): Uncertain significance. Review status: criteria provided, multiple submitters, no conflicts (2 of 4 stars). 2 submissions from 2 submitters: Uncertain significance (2). Last evaluated 2025-01-28.

Conditions:
Familial adenomatous polyposis 1 (FAP1). Also called: FAMILIAL ADENOMATOUS POLYPOSIS 1, ATTENUATED; POLYPOSIS, ADENOMATOUS INTESTINAL. Identifiers: MedGen C2713442, MONDO:0021056, OMIM 175100. Disease mechanism: loss of function.

Submissions (2):

Labcorp Genetics (formerly Invitae), Labcorp
Classification: Uncertain significance for Familial adenomatous polyposis 1. Last evaluated: 2025-01-28. Review status: criteria provided, single submitter. Criteria: Invitae Variant Classification Sherloc (09022015). Collection method: clinical testing. Allele origin: germline.
Comment: This sequence change replaces serine, which is neutral and polar, with phenylalanine, which is neutral and non-polar, at codon 1389 of the APC protein (p.Ser1389Phe). This variant is not present in population databases (gnomAD no frequency). This variant has not been reported in the literature in individuals affected with APC-related conditions. ClinVar contains an entry for this variant (Variation ID: 1719469). Invitae Evidence Modeling of protein sequence and biophysical properties (such as structural, functional, and spatial information, amino acid conservation, physicochemical variation, residue mobility, and thermodynamic stability) has been performed for this missense variant. However, the output from this modeling did not meet the statistical confidence thresholds required to predict the impact of this variant on APC protein function. In summary, the available evidence is currently insufficient to determine the role of this variant in disease. Therefore, it has been classified as a Variant of Uncertain Significance.

Molecular Pathology, Peter Maccallum Cancer Centre
Classification: Uncertain significance for Familial adenomatous polyposis 1. Last evaluated: 2024-08-16. Review status: criteria provided, single submitter. Criteria: ACMG Guidelines, 2015. Collection method: clinical testing. Allele origin: germline. Inheritance: Autosomal dominant inheritance.